The following is an entry in ClinVar:

NM_016356.5(DCDC2):c.696G>A (p.Arg232=)

Gene: DCDC2 (doublecortin domain containing 2; minus strand). Cytogenetic location: 6p22.3.
Variant type: single nucleotide variant.
Coding change: c.696G>A on transcript NM_016356.5 (MANE Select); coding-DNA position 696, G replaced by A.
Protein change: p.Arg232=; no amino-acid change (arginine 232 retained).
Molecular consequence: synonymous variant.
Genome position (GRCh38, 1-based): chr6:24,290,940, C>T on the plus strand (G>A on the coding strand, the complement: DCDC2 is on the minus strand). VCF-style: chr6-24290940-C-T. GRCh37 (hg19) VCF-style: chr6-24291168-C-T.
Other names: c.696G>A (NM_016356.4); c.696G>A, p.Arg232= (NM_001195610.2).
Identifiers: ClinVar variation 593912 (VCV000593912.10), dbSNP rs758802517, ClinGen allele CA448951165.
Genomic context (GRCh38, chr6:24,290,940, plus strand): 5'-GCTATTTCAAGTGGTAACTAAAGCATGAGGAGTGGTAAGGAGTAAGACTTACCCAAAAGG[C>T]CTTCTCATCGTTGACTTGTCAAAAAGTAACTCACTGTAAGGCAGTTTCTTAAACTTATCT-3'
Protein context (NP_057440.2, residues 222-242): ELLFDKSTMR[Arg232=]PFGQKASSLP

ClinVar aggregate classification (germline): Conflicting classifications of pathogenicity. Review status: criteria provided, conflicting classifications (1 of 4 stars). 3 submissions from 3 submitters: Uncertain significance (1); Likely benign (1). 1 of the submissions does not count toward it. Last evaluated 2024-02-23.

Conditions:
Autosomal recessive nonsyndromic hearing loss 66 (DFNB66). Also called: Deafness, autosomal recessive 66. Identifiers: Orphanet 90636, MedGen C1857750, MONDO:0012442, OMIM 610212.
Isolated neonatal sclerosing cholangitis (NSC). Also called: Sclerosing cholangitis, neonatal. Identifiers: Orphanet 480556, MedGen C4479344, MONDO:0018816, OMIM 617394.
DCDC2-related disorder. Also called: DCDC2-related condition.

gnomAD v4.1: 1 of 1,613,322 alleles (0.000062%); highest among the groups gnomAD compares: Admixed American, 0.0017%; no homozygotes.

Submissions (3):

Labcorp Genetics (formerly Invitae), Labcorp
Classification: Likely benign for Autosomal recessive nonsyndromic hearing loss 66; Isolated neonatal sclerosing cholangitis. Last evaluated: 2024-02-23. Review status: criteria provided, single submitter. Criteria: Invitae Variant Classification Sherloc (09022015). Collection method: clinical testing. Allele origin: germline.

Eurofins Ntd Llc (ga)
Classification: Uncertain significance. Last evaluated: 2017-09-01. Review status: criteria provided, single submitter. Criteria: EGL Classification Definitions 2015. Collection method: clinical testing. Allele origin: germline. Observed: 2 variant alleles, 2 heterozygotes.

PreventionGenetics, part of Exact Sciences
Classification: Likely benign for DCDC2-related condition. Last evaluated: 2024-03-08. Review status: no assertion criteria provided. Collection method: clinical testing. Allele origin: germline. Not counted in ClinVar's aggregate classification.
Comment: This variant is classified as likely benign based on ACMG/AMP sequence variant interpretation guidelines (Richards et al. 2015 PMID: 25741868, with internal and published modifications).